The following is an entry in ClinVar:

NM_003742.4(ABCB11):c.260C>G (p.Thr87Arg)

Gene: ABCB11 (ATP binding cassette subfamily B member 11; minus strand). Cytogenetic location: 2q31.1.
Variant type: single nucleotide variant.
Coding change: c.260C>G on transcript NM_003742.4 (MANE Select); coding-DNA position 260, C replaced by G.
Protein change: p.Thr87Arg; replaces threonine 87 with arginine.
Molecular consequence: missense variant.
Genome position (GRCh38, 1-based): chr2:169,013,401, G>C on the plus strand (C>G on the coding strand, the complement: ABCB11 is on the minus strand). VCF-style: chr2-169013401-G-C. GRCh37 (hg19) VCF-style: chr2-169869911-G-C.
Other names: short protein forms T87R.
Identifiers: ClinVar variation 4846193 (VCV004846193.1).

ClinVar aggregate classification (germline): Uncertain significance (1 of 4 stars; one submission).

Conditions:
Familial intrahepatic cholestasis. Identifiers: Orphanet 284385, MedGen CN296401, MONDO:0017290.

Submission:

Genomenon, Inc
Classification: Uncertain significance for Familial intrahepatic cholestasis. Last evaluated: 2026-04-14. Review status: criteria provided, single submitter. Criteria: Genomenon Sequence Variant Interpretation Standards - Updated. Collection method: curation. Allele origin: germline. Affected: no.
Comment: ABCB11 p.Thr87Arg (c.260C>G) is a missense variant that changes the amino acid at residue 87 from Threonine to Arginine. This variant has been reported in the published literature (PMID:20683201;22795478). It is absent or not present at a significant frequency in gnomAD. In silico models predict that this variant is possibly or probably damaging. In conclusion, we classify ABCB11 p.Thr87Arg (c.260C>G) as a variant of uncertain significance.

Literature cited by the submitters: PubMed 20683201; PubMed 22795478.